The following is an entry in ClinVar:

ClinVar aggregate classification (germline): Likely benign (1 of 4 stars; one submission).

Allele frequency attached by ClinVar (database versions not stated): ExAC 0.00014; 1000 Genomes Project 30x 0.00016; 1000 Genomes Project 0.00020.
gnomAD v4.1: 243 of 1,614,036 alleles (0.015%); highest among the groups gnomAD compares: Admixed American, 0.045%; no homozygotes.

Submission:

CeGaT Center for Human Genetics Tuebingen
Classification: Likely benign. Last evaluated: 2022-11-01. Review status: criteria provided, single submitter. Criteria: CeGaT Center For Human Genetics Tuebingen Variant Classification Criteria Version 2. Collection method: clinical testing. Allele origin: germline. Affected: yes. Observed: 1 variant allele.
Comment: MAST2: BP4

NM_015112.3(MAST2):c.1495G>C (p.Ala499Pro)

Gene: MAST2 (microtubule associated serine/threonine kinase 2; plus strand). Cytogenetic location: 1p34.1.
Variant type: single nucleotide variant.
Coding change: c.1495G>C on transcript NM_015112.3 (MANE Select); coding-DNA position 1495, G replaced by C.
Protein change: p.Ala499Pro; replaces alanine 499 with proline.
Molecular consequence: missense variant.
Genome position (GRCh38, 1-based): chr1:46,023,242, G>C. VCF-style: chr1-46023242-G-C. GRCh37 (hg19) VCF-style: chr1-46488914-G-C.
Other names: c.1495G>C, p.Ala499Pro (NM_001319245.2); c.1516G>C, p.Ala506Pro (NM_001324320.2); c.1033G>C, p.Ala345Pro (NM_001324321.2); short protein forms A345P, A499P, A506P.
Identifiers: ClinVar variation 2638794 (VCV002638794.24), dbSNP rs199547415, ClinGen allele CA831320.